The following is an entry in ClinVar:

ClinVar aggregate classification (germline): Uncertain significance. Review status: criteria provided, single submitter (1 of 4 stars). 2 submissions from 2 submitters: Uncertain significance (1). 1 of the submissions does not count toward it. Last evaluated 2021-08-13.

Conditions:
Usher syndrome type 1C. Also called: USHER SYNDROME, TYPE I, ACADIAN VARIETY. Identifiers: Orphanet 231169, Orphanet 886, MedGen C1848604, MONDO:0010171, OMIM 276904.

Allele frequency attached by ClinVar (database versions not stated): gnomAD exomes below 0.00001 and 0.00001; ExAC 0.00003.
gnomAD v4.1: 6 of 1,581,250 alleles (0.00038%); highest among the groups gnomAD compares: Non-Finnish European, 0.00043%; no homozygotes.

Submissions (2):

Labcorp Genetics (formerly Invitae), Labcorp
Classification: Uncertain significance. Last evaluated: 2021-08-13. Review status: criteria provided, single submitter. Criteria: Invitae Variant Classification Sherloc (09022015). Collection method: clinical testing. Allele origin: germline.
Comment: This sequence change replaces glutamine with arginine at codon 428 of the USH1C protein (p.Gln428Arg). The glutamine residue is moderately conserved and there is a small physicochemical difference between glutamine and arginine. This variant is present in population databases (rs746527367, ExAC no frequency). This variant has not been reported in the literature in individuals affected with USH1C-related conditions. Algorithms developed to predict the effect of missense changes on protein structure and function (SIFT, PolyPhen-2, Align-GVGD) all suggest that this variant is likely to be tolerated. Algorithms developed to predict the effect of sequence changes on RNA splicing suggest that this variant may disrupt the consensus splice site. In summary, the available evidence is currently insufficient to determine the role of this variant in disease. Therefore, it has been classified as a Variant of Uncertain Significance.

Natera, Inc.
Classification: Uncertain significance for Usher syndrome type 1C. Last evaluated: 2021-01-04. Review status: no assertion criteria provided. Collection method: clinical testing. Allele origin: germline. Not counted in ClinVar's aggregate classification.

NM_005709.4(USH1C):c.1283A>G (p.Gln428Arg)

Gene: USH1C (USH1 protein network component harmonin; minus strand). Cytogenetic location: 11p15.1.
Variant type: single nucleotide variant.
Coding change: c.1283A>G on transcript NM_005709.4 (MANE Plus Clinical); coding-DNA position 1283, A replaced by G.
Protein change: p.Gln428Arg; replaces glutamine 428 with arginine.
Molecular consequence: missense variant. On other transcripts: intron variant (1).
Genome position (GRCh38, 1-based): chr11:17,517,402, T>C on the plus strand (A>G on the coding strand, the complement: USH1C is on the minus strand). VCF-style: chr11-17517402-T-C. GRCh37 (hg19) VCF-style: chr11-17538949-T-C.
Other names: c.1226A>G, p.Gln409Arg (NM_001297764.2); c.1211-1112A>G (NM_153676.4); short protein forms Q428R, Q409R.
Identifiers: ClinVar variation 859227 (VCV000859227.8), dbSNP rs746527367, ClinGen allele CA5904662.
Genomic context (GRCh38, chr11:17,517,402, plus strand): 5'-AGGAGGCGGGCAGGGTAAAGCAGAGCAGCCAGGCCAGGGAGCAAAGCGGGGACGCGAACC[T>C]GCTCTCCCTGCTCCTCCGTGCCTCCATCCAGGTCATCTGCGGGCTCGAGCTCAGGTTCCA-3'
Protein context (NP_005700.2, residues 418-438): LDGGTEEQGE[Gln428Arg]DFRKYEEGFD